The following is an entry in ClinVar:

ClinVar aggregate classification (germline): Uncertain significance (1 of 4 stars; one submission).

Allele frequency attached by ClinVar (database versions not stated): gnomAD exomes below 0.00001; 1000 Genomes Project 30x 0.00016; gnomAD 0.00001; 1000 Genomes Project 0.00020.
gnomAD v4.1: 3 of 1,535,904 alleles (0.0002%); highest among the groups gnomAD compares: South Asian, 0.0036%; no homozygotes.

Submission:

CeGaT Center for Human Genetics Tuebingen
Classification: Uncertain significance. Last evaluated: 2023-02-01. Review status: criteria provided, single submitter. Criteria: CeGaT Center For Human Genetics Tuebingen Variant Classification Criteria Version 2. Collection method: clinical testing. Allele origin: germline. Affected: yes. Observed: 1 variant allele.
Comment: RRAS2: PM2

NM_001177314.2(RRAS2):c.2T>C (p.Met1Thr)

Gene: RRAS2 (RAS related 2; minus strand). Cytogenetic location: 11p15.2.
Variant type: single nucleotide variant.
Coding change: c.2T>C on transcript NM_001177314.2; coding-DNA position 2, T replaced by C.
Protein change: p.Met1Thr; changes the start codon (methionine 1).
Molecular consequence: missense variant, initiator codon variant.
Genome position (GRCh38, 1-based): chr11:14,364,392, A>G on the plus strand (T>C on the coding strand, the complement: RRAS2 is on the minus strand). VCF-style: chr11-14364392-A-G. GRCh37 (hg19) VCF-style: chr11-14385938-A-G.
Other names: short protein forms M1T.
Identifiers: ClinVar variation 2641618 (VCV002641618.22), dbSNP rs562155993, ClinGen allele CA218180797.